The following is an entry in ClinVar:

ClinVar aggregate classification (germline): Pathogenic (1 of 4 stars; one submission).

Allele frequency attached by ClinVar (database versions not stated): TOPMed below 0.00001; gnomAD 0.00001; ExAC 0.00002; gnomAD exomes 0.00003.

Submission:

Labcorp Genetics (formerly Invitae), Labcorp
Classification: Pathogenic. Last evaluated: 2024-06-19. Review status: criteria provided, single submitter. Criteria: Invitae Variant Classification Sherloc (09022015). Collection method: clinical testing. Allele origin: germline.
Comment: This sequence change creates a premature translational stop signal (p.Arg218*) in the H6PD gene. It is expected to result in an absent or disrupted protein product. Loss-of-function variants in H6PD are known to be pathogenic (PMID: 16356929, 18628520). This variant is present in population databases (rs774520385, gnomAD 0.005%). This variant has not been reported in the literature in individuals affected with H6PD-related conditions. For these reasons, this variant has been classified as Pathogenic.

Literature cited by the submitters: PubMed 16356929; PubMed 18628520.

NM_004285.4(H6PD):c.652C>T (p.Arg218Ter)

Gene: H6PD (hexose-6-phosphate dehydrogenase/glucose 1-dehydrogenase; plus strand). Cytogenetic location: 1p36.22.
Variant type: single nucleotide variant.
Coding change: c.652C>T on transcript NM_004285.4 (MANE Select); coding-DNA position 652, C replaced by T.
Protein change: p.Arg218Ter; replaces arginine 218 with a stop codon.
Molecular consequence: nonsense.
Genome position (GRCh38, 1-based): chr1:9,246,990, C>T. VCF-style: chr1-9246990-C-T. GRCh37 (hg19) VCF-style: chr1-9307049-C-T.
Other names: c.685C>T, p.Arg229Ter (NM_001282587.2); short protein forms R218*, R229*.
Identifiers: ClinVar variation 3020543 (VCV003020543.3), dbSNP rs774520385, ClinGen allele CA575021.